The following is an entry in ClinVar:

ClinVar aggregate classification (germline): Uncertain significance (1 of 4 stars; one submission).

Submission:

Labcorp Genetics (formerly Invitae), Labcorp
Classification: Uncertain significance. Last evaluated: 2022-02-23. Review status: criteria provided, single submitter. Criteria: Invitae Variant Classification Sherloc (09022015). Collection method: clinical testing. Allele origin: germline.
Comment: In summary, the available evidence is currently insufficient to determine the role of this variant in disease. Therefore, it has been classified as a Variant of Uncertain Significance. This variant has not been reported in the literature in individuals affected with ANKRD26-related conditions. This variant is not present in population databases (gnomAD no frequency). This variant occurs in a non-coding region of the ANKRD26 gene. It does not change the encoded amino acid sequence of the ANKRD26 protein.

NM_014915.3(ANKRD26):c.-126T>A

Gene: ANKRD26 (ankyrin repeat domain 26; minus strand). Cytogenetic location: 10p12.1.
Variant type: single nucleotide variant.
Coding change: c.-126T>A on transcript NM_014915.3 (MANE Select); 126 bases upstream of the start codon, T replaced by A.
Molecular consequence: 5 prime UTR variant.
Genome position (GRCh38, 1-based): chr10:27,100,452, A>T on the plus strand (T>A on the coding strand, the complement: ANKRD26 is on the minus strand). VCF-style: chr10-27100452-A-T. GRCh37 (hg19) VCF-style: chr10-27389381-A-T.
Other names: c.-126T>A (NM_001256053.2).
Identifiers: ClinVar variation 2100884 (VCV002100884.4), dbSNP rs1589393792, ClinGen allele CA2580081621.